The following is an entry in ClinVar:

NM_016557.4(ACKR4):c.801C>T (p.Ile267=)

Genes: ACAD11 (acyl-CoA dehydrogenase family member 11; minus strand), ACKR4 (atypical chemokine receptor 4; plus strand), NPHP3-ACAD11 (NPHP3-ACAD11 readthrough (NMD candidate); minus strand). Cytogenetic location: 3q22.1.
Variant type: single nucleotide variant.
Coding change: c.801C>T on transcript NM_016557.4 (MANE Select); coding-DNA position 801, C replaced by T.
Protein change: p.Ile267=; no amino-acid change (isoleucine 267 retained).
Molecular consequence: synonymous variant. On other transcripts: intron variant (1).
Genome position (GRCh38, 1-based): chr3:132,601,198, C>T. VCF-style: chr3-132601198-C-T. GRCh37 (hg19) VCF-style: chr3-132320042-C-T.
Other names: c.801C>T, p.Ile267= (NM_178445.2); c.1621+2031G>A (NM_032169.5).
Identifiers: ClinVar variation 3778273 (VCV003778273.7).

ClinVar aggregate classification (germline): Likely benign (1 of 4 stars; one submission).

Submission:

CeGaT Center for Human Genetics Tuebingen
Classification: Likely benign. Last evaluated: 2025-03-01. Review status: criteria provided, single submitter. Criteria: CeGaT Center For Human Genetics Tuebingen Variant Classification Criteria Version 2. Collection method: clinical testing. Allele origin: germline. Affected: yes. Observed: 1 variant allele.
Comment: ACKR4: BP4, BP7